The following is an entry in ClinVar:

ClinVar aggregate classification (germline): Uncertain significance (1 of 4 stars; one submission).

Conditions:
Hereditary cancer-predisposing syndrome. Also called: Neoplastic Syndromes, Hereditary; Tumor predisposition; Hereditary Cancer Syndrome; Hereditary neoplastic syndrome. Identifiers: Orphanet 140162, MedGen C0027672, MeSH D009386, MONDO:0015356.

Submission:

Ambry Genetics
Classification: Uncertain significance for Hereditary cancer-predisposing syndrome. Last evaluated: 2026-06-09. Review status: criteria provided, single submitter. Criteria: Ambry Variant Classification Scheme 2023. Collection method: clinical testing. Allele origin: germline.
Comment: The p.E1719V variant (also known as c.5156A>T), located in coding exon 15 of the APC gene, results from an A to T substitution at nucleotide position 5156. The glutamic acid at codon 1719 is replaced by valine, an amino acid with dissimilar properties. This amino acid position is conserved. In addition, in silico predictors for this gene do not accurately predict pathogenicity. Based on the available evidence, the clinical significance of this variant remains unclear.

NM_000038.6(APC):c.5156A>T (p.Glu1719Val)

Gene: APC (APC regulator of Wnt signaling pathway; plus strand). Cytogenetic location: 5q22.2.
Variant type: single nucleotide variant.
Coding change: c.5156A>T on transcript NM_000038.6 (MANE Select); coding-DNA position 5156, A replaced by T.
Protein change: p.Glu1719Val; replaces glutamic acid 1719 with valine.
Molecular consequence: missense variant. On other transcripts: non-coding transcript variant (2).
Genome position (GRCh38, 1-based): chr5:112,840,750, A>T. VCF-style: chr5-112840750-A-T. GRCh37 (hg19) VCF-style: chr5-112176447-A-T.
Other names: c.5156A>T, p.Glu1719Val (NM_001127510.3, NM_001354895.2, NM_001407450.1); c.5102A>T, p.Glu1701Val (NM_001127511.3); c.5210A>T, p.Glu1737Val (NM_001354896.2, NM_001407447.1, NM_001407448.1 and 1 more transcripts); c.5186A>T, p.Glu1729Val (NM_001354897.2); c.5081A>T, p.Glu1694Val (NM_001354898.2); c.5072A>T, p.Glu1691Val (NM_001354899.2); c.5033A>T, p.Glu1678Val (NM_001354900.2); c.4979A>T, p.Glu1660Val (NM_001354901.2, NM_001407453.1); and 11 more; short protein forms E1335V, E1436V, E1559V, E1590V, E1593V, E1618V, E1628V, E1636V.
Identifiers: ClinVar variation 4862064 (VCV004862064.1).